The following is an entry in ClinVar:

NM_000742.4(CHRNA2):c.959C>A (p.Ser320Tyr)

Gene: CHRNA2 (cholinergic receptor nicotinic alpha 2 subunit; minus strand). Cytogenetic location: 8p21.2.
Variant type: single nucleotide variant.
Coding change: c.959C>A on transcript NM_000742.4 (MANE Select); coding-DNA position 959, C replaced by A.
Protein change: p.Ser320Tyr; replaces serine 320 with tyrosine.
Molecular consequence: missense variant.
Genome position (GRCh38, 1-based): chr8:27,463,484, G>T on the plus strand (C>A on the coding strand, the complement: CHRNA2 is on the minus strand). VCF-style: chr8-27463484-G-T. GRCh37 (hg19) VCF-style: chr8-27321001-G-T.
Other names: c.914C>A, p.Ser305Tyr (NM_001282455.2); c.482C>A, p.Ser161Tyr (NM_001347705.2, NM_001347706.2); c.365C>A, p.Ser122Tyr (NM_001347707.2, NM_001347708.2); short protein forms S320Y, S305Y, S122Y, S161Y.
Identifiers: ClinVar variation 627592 (VCV000627592.14), dbSNP rs760884840, ClinGen allele CA370810101.

ClinVar aggregate classification (germline): Uncertain significance. Review status: criteria provided, multiple submitters, no conflicts (2 of 4 stars). 5 submissions from 5 submitters: Uncertain significance (5). Last evaluated 2026-10-23.

Conditions:
Autosomal dominant nocturnal frontal lobe epilepsy 4. Also called: EPILEPSY, FAMILIAL, WITH NOCTURNAL WANDERING AND ICTAL FEAR; CHRNA2-Related Nocturnal Frontal Lobe Epilepsy, Autosomal Dominant. Identifiers: Orphanet 98784, MedGen C1835905, MONDO:0012474, OMIM 610353.
Inborn genetic diseases. Identifiers: MedGen C0950123, MeSH D030342.
Familial sleep-related hypermotor epilepsy. Also called: Autosomal Dominant Sleep-Related Hypermotor (Hyperkinetic) Epilepsy. Identifiers: Orphanet 98784, MedGen C3696898, MONDO:0000030.

Allele frequency attached by ClinVar (database versions not stated): TOPMed 0.00001.

Submissions (5):

GeneDx
Classification: Uncertain significance. Last evaluated: 2026-10-23. Review status: criteria provided, single submitter. Criteria: GeneDx Variant Classification Process June 2021. Collection method: clinical testing. Allele origin: germline.
Comment: Not observed at significant frequency in large population cohorts (gnomAD); In silico analysis supports that this missense variant has a deleterious effect on protein structure/function; Has not been previously published as pathogenic or benign to our knowledge

Dasa
Classification: Uncertain significance. Last evaluated: 2026-01-09. Review status: criteria provided, single submitter. Criteria: DASA Assertion Criteria. Collection method: clinical testing. Allele origin: germline.
Comment: NM_000742.4(CHRNA2):c.959C>A (p.Ser320Tyr) is a missense variant that results in the substitution of serine with tyrosine. This variant is rare in population databases. Computational prediction algorithms are consistent with a deleterious effect. The currently available literature and clinical evidence are not sufficient to establish a definitive association between this variant and the reported condition. Therefore, this variant is classified as a variant of uncertain significance.

Ambry Genetics
Classification: Uncertain significance for Inborn genetic diseases. Last evaluated: 2024-09-05. Review status: criteria provided, single submitter. Criteria: Ambry Variant Classification Scheme 2023. Collection method: clinical testing. Allele origin: germline.

Labcorp Genetics (formerly Invitae), Labcorp
Classification: Uncertain significance. Last evaluated: 2024-02-16. Review status: criteria provided, single submitter. Criteria: Invitae Variant Classification Sherloc (09022015). Collection method: clinical testing. Allele origin: germline.
Comment: This sequence change replaces serine, which is neutral and polar, with tyrosine, which is neutral and polar, at codon 320 of the CHRNA2 protein (p.Ser320Tyr). This variant is not present in population databases (gnomAD no frequency). This variant has not been reported in the literature in individuals affected with CHRNA2-related conditions. ClinVar contains an entry for this variant (Variation ID: 627592). Advanced modeling of protein sequence and biophysical properties (such as structural, functional, and spatial information, amino acid conservation, physicochemical variation, residue mobility, and thermodynamic stability) performed at Invitae indicates that this missense variant is expected to disrupt CHRNA2 protein function with a positive predictive value of 80%. In summary, the available evidence is currently insufficient to determine the role of this variant in disease. Therefore, it has been classified as a Variant of Uncertain Significance.

Center of Genomic medicine, Geneva, University Hospital of Geneva
Classification: Uncertain significance for Autosomal dominant nocturnal frontal lobe epilepsy 4. Last evaluated: 2018-07-06. Review status: criteria provided, single submitter. Criteria: ACMG Guidelines, 2015. Collection method: clinical testing. Allele origin: maternal. Affected: yes.